The following is an entry in ClinVar:

ClinVar aggregate classification (germline): Uncertain significance (1 of 4 stars; one submission).

gnomAD v4.1: 2 of 1,613,952 alleles (0.00012%); highest among the groups gnomAD compares: Admixed American, 0.0017%; no homozygotes.

Submission:

Labcorp Genetics (formerly Invitae), Labcorp
Classification: Uncertain significance. Last evaluated: 2025-11-10. Review status: criteria provided, single submitter. Criteria: Invitae Variant Classification Sherloc (09022015). Collection method: clinical testing. Allele origin: germline.
Comment: This sequence change falls in intron 7 of the ELMOD3 gene. It does not directly change the encoded amino acid sequence of the ELMOD3 protein. It affects a nucleotide within the consensus splice site. This variant is present in population databases (no rsID available, gnomAD 0.003%). This variant has not been reported in the literature in individuals affected with ELMOD3-related conditions. Variants that disrupt the consensus splice site are a relatively common cause of aberrant splicing (PMID: 17576681, 9536098). Algorithms developed to predict the effect of sequence changes on RNA splicing suggest that this variant may disrupt the consensus splice site. In summary, the available evidence is currently insufficient to determine the role of this variant in disease. Therefore, it has been classified as a Variant of Uncertain Significance.

Literature cited by the submitters: PubMed 17576681; PubMed 9536098.

NM_001135022.2(ELMOD3):c.200-3C>G

Gene: ELMOD3 (ELMO domain containing 3; plus strand). Cytogenetic location: 2p11.2.
Variant type: single nucleotide variant.
Coding change: c.200-3C>G on transcript NM_001135022.2 (MANE Select); 3 bases into the intron before coding-DNA position 200, C replaced by G.
Molecular consequence: intron variant.
Genome position (GRCh38, 1-based): chr2:85,368,683, C>G. VCF-style: chr2-85368683-C-G. GRCh37 (hg19) VCF-style: chr2-85595806-C-G.
Other names: c.200-3C>G (NM_001329791.2, NM_001135021.2, NM_001135023.2 and 3 more transcripts).
Identifiers: ClinVar variation 4770033 (VCV004770033.1).